The following is an entry in ClinVar:

ClinVar aggregate classification (germline): Uncertain significance. Review status: criteria provided, multiple submitters, no conflicts (2 of 4 stars). 2 submissions from 2 submitters: Uncertain significance (2). Last evaluated 2025-03-19.

Conditions:
Inborn genetic diseases. Identifiers: MedGen C0950123, MeSH D030342.

Allele frequency attached by ClinVar (database versions not stated): ESP Exome Variant Server 0.00008.

Submissions (2):

Ambry Genetics
Classification: Uncertain significance for Inborn genetic diseases. Last evaluated: 2025-03-19. Review status: criteria provided, single submitter. Criteria: Ambry Variant Classification Scheme 2023. Collection method: clinical testing. Allele origin: germline.

Greenwood Genetic Center Diagnostic Laboratories, Greenwood Genetic Center
Classification: Uncertain significance. Last evaluated: 2024-02-06. Review status: criteria provided, single submitter. Criteria: ACMG Guidelines, 2015. Collection method: clinical testing. Allele origin: germline. Affected: yes.
Comment: PM2

NM_021964.3(ZNF148):c.1555G>C (p.Glu519Gln)

Gene: ZNF148 (zinc finger protein 148; minus strand). Cytogenetic location: 3q21.2.
Variant type: single nucleotide variant.
Coding change: c.1555G>C on transcript NM_021964.3 (MANE Select); coding-DNA position 1555, G replaced by C.
Protein change: p.Glu519Gln; replaces glutamic acid 519 with glutamine.
Molecular consequence: missense variant.
Genome position (GRCh38, 1-based): chr3:125,233,171, C>G on the plus strand (G>C on the coding strand, the complement: ZNF148 is on the minus strand). VCF-style: chr3-125233171-C-G. GRCh37 (hg19) VCF-style: chr3-124952015-C-G.
Other names: c.1555G>C, p.Glu519Gln (NM_001348424.1, NM_001348425.2, NM_001348426.2 and 7 more transcripts); c.1429G>C, p.Glu477Gln (NM_001348434.2); short protein forms E477Q, E519Q.
Identifiers: ClinVar variation 3235720 (VCV003235720.2), dbSNP rs373478622, ClinGen allele CA83133406.